The following is an entry in ClinVar:

ClinVar aggregate classification (germline): Uncertain significance (1 of 4 stars; one submission).

Conditions:
Joubert syndrome 21 (JBTS21). Identifiers: MedGen C3810212, MONDO:0014288, OMIM 615636.

Allele frequency attached by ClinVar (database versions not stated): TOPMed 0.00003.

Submission:

Labcorp Genetics (formerly Invitae), Labcorp
Classification: Uncertain significance for Joubert syndrome 21. Last evaluated: 2023-05-15. Review status: criteria provided, single submitter. Criteria: Invitae Variant Classification Sherloc (09022015). Collection method: clinical testing. Allele origin: germline.
Comment: This variant is not present in population databases (gnomAD no frequency). This variant has not been reported in the literature in individuals affected with CSPP1-related conditions. ClinVar contains an entry for this variant (Variation ID: 855151). An algorithm developed to predict the effect of missense changes on protein structure and function (PolyPhen-2) suggests that this variant is likely to be disruptive. In summary, the available evidence is currently insufficient to determine the role of this variant in disease. Therefore, it has been classified as a Variant of Uncertain Significance. This sequence change replaces proline, which is neutral and non-polar, with leucine, which is neutral and non-polar, at codon 999 of the CSPP1 protein (p.Pro999Leu).

NM_001382391.1(CSPP1):c.3011C>T (p.Pro1004Leu)

Genes: ARFGEF1 (ARF guanine nucleotide exchange factor 1; minus strand), CSPP1 (centrosome and spindle pole associated protein 1; plus strand). Cytogenetic location: 8q13.2.
Variant type: single nucleotide variant.
Coding change: c.3011C>T on transcript NM_001382391.1 (MANE Select); coding-DNA position 3011, C replaced by T.
Protein change: p.Pro1004Leu; replaces proline 1004 with leucine.
Molecular consequence: missense variant. On other transcripts: 3 prime UTR variant (2).
Genome position (GRCh38, 1-based): chr8:67,175,338, C>T. VCF-style: chr8-67175338-C-T. GRCh37 (hg19) VCF-style: chr8-68087573-C-T.
Other names: c.*217G>A (NM_001413186.1, NM_001413187.1); c.1961C>T, p.Pro654Leu (NM_001291339.2); c.2930C>T, p.Pro977Leu (NM_001363131.2); c.2816C>T, p.Pro939Leu (NM_001363132.2); c.2735C>T, p.Pro912Leu (NM_001363133.2); c.3077C>T, p.Pro1026Leu (NM_001364869.1); c.2897C>T, p.Pro966Leu (NM_001364870.1); c.2843C>T, p.Pro948Leu (NM_001438330.1); and 2 more; short protein forms P939L, P1026L, P966L, P999L, P654L, P912L, P977L, P1004L.
Identifiers: ClinVar variation 855151 (VCV000855151.8), dbSNP rs993509179, ClinGen allele CA371197339.